The following is an entry in ClinVar:

ClinVar aggregate classification (germline): Pathogenic. Review status: criteria provided, multiple submitters, no conflicts (2 of 4 stars). 3 submissions from 3 submitters: Pathogenic (2). 1 of the submissions does not count toward it. Last evaluated 2025-11-18.

Conditions:
Cohen syndrome (COH1). Also called: PEPPER SYNDROME; Cutis verticis gyrata, retinitis pigmentosa, and sensorineural deafness. Identifiers: Orphanet 193, MedGen C0265223, MONDO:0008999, OMIM 216550.

Allele frequency attached by ClinVar (database versions not stated): TOPMed below 0.00001; gnomAD exomes 0.00001.
gnomAD v4.1: 7 of 1,614,050 alleles (0.00043%); highest among the groups gnomAD compares: Non-Finnish European, 0.00059%; no homozygotes.

Submissions (3):

Labcorp Genetics (formerly Invitae), Labcorp
Classification: Pathogenic for Cohen syndrome. Last evaluated: 2025-11-18. Review status: criteria provided, single submitter. Criteria: Invitae Variant Classification Sherloc (09022015). Collection method: clinical testing. Allele origin: germline.
Comment: This sequence change creates a premature translational stop signal (p.Leu2982*) in the VPS13B gene. It is expected to result in an absent or disrupted protein product. Loss-of-function variants in VPS13B are known to be pathogenic (PMID: 15141358, 16648375, 20461111). This variant is not present in population databases (gnomAD no frequency). This variant has not been reported in the literature in individuals affected with VPS13B-related conditions. ClinVar contains an entry for this variant (Variation ID: 167832). Algorithms developed to predict the effect of sequence changes on RNA splicing suggest that this variant may disrupt the consensus splice site. For these reasons, this variant has been classified as Pathogenic.

Eurofins Ntd Llc (ga)
Classification: Pathogenic. Last evaluated: 2014-04-14. Review status: criteria provided, single submitter. Criteria: EGL Classification Definitions. Collection method: clinical testing. Allele origin: germline. Observed: 1 variant allele, 1 heterozygote.

Counsyl
Classification: Likely pathogenic for Cohen syndrome. Last evaluated: 2015-12-07. Review status: no assertion criteria provided. Collection method: clinical testing. Allele origin: unknown. Not counted in ClinVar's aggregate classification.

Literature cited by the submitters: PubMed 15141358 (cited by Labcorp Genetics (formerly Invitae), Labcorp); PubMed 16648375 (cited by Labcorp Genetics (formerly Invitae), Labcorp); PubMed 20461111 (cited by Labcorp Genetics (formerly Invitae), Labcorp).

NM_152564.5(VPS13B):c.8870T>A (p.Leu2957Ter)

Gene: VPS13B (vacuolar protein sorting 13 homolog B; plus strand). Cytogenetic location: 8q22.2.
Variant type: single nucleotide variant.
Coding change: c.8870T>A on transcript NM_152564.5 (MANE Select); coding-DNA position 8870, T replaced by A.
Protein change: p.Leu2957Ter; replaces leucine 2957 with a stop codon.
Molecular consequence: nonsense.
Genome position (GRCh38, 1-based): chr8:99,819,998, T>A. VCF-style: chr8-99819998-T-A. GRCh37 (hg19) VCF-style: chr8-100832226-T-A.
Other names: c.8945T>A, p.Leu2982Ter (NM_017890.5); short protein forms L2957*, L2982*.
Identifiers: ClinVar variation 167832 (VCV000167832.13), dbSNP rs727504219, ClinGen allele CA235229.
Genomic context (GRCh38, chr8:99,819,998, plus strand): 5'-AGTGGGATAGCCCAATGCGAGTGAAGCTGTCAATCTGGAAGCCATATGTTAGAACTTTGT[T>A]GATAGAACTTCTGCCCTGGGCCCTGCTTATCAATGAATCCAAATGGGACCTCTGGCTATT-3'